The following is an entry in ClinVar:

NM_032409.3(PINK1):c.770C>T (p.Thr257Ile)

Gene: PINK1 (PTEN induced kinase 1; plus strand). Cytogenetic location: 1p36.12.
Variant type: single nucleotide variant.
Coding change: c.770C>T on transcript NM_032409.3 (MANE Select); coding-DNA position 770, C replaced by T.
Protein change: p.Thr257Ile; replaces threonine 257 with isoleucine.
Molecular consequence: missense variant.
Genome position (GRCh38, 1-based): chr1:20,639,986, C>T. VCF-style: chr1-20639986-C-T. GRCh37 (hg19) VCF-style: chr1-20966479-C-T.
Other names: short protein forms T257I.
Identifiers: ClinVar variation 374599 (VCV000374599.51), dbSNP rs370906995, ClinGen allele CA660518.

ClinVar aggregate classification (germline): Uncertain significance. Review status: criteria provided, multiple submitters, no conflicts (2 of 4 stars). 4 submissions from 4 submitters: Uncertain significance (4). Last evaluated 2025-06-27.

Conditions:
Autosomal recessive early-onset Parkinson disease 6 (PARK6). Also called: PARKINSON DISEASE 6, MODIFIER OF; PARKINSON DISEASE 6, EARLY-ONSET; PINK1 Type of Young-Onset Parkinson Disease; PINK1-Related Parkinson Disease. Identifiers: Orphanet 2828, MedGen C1853833, MONDO:0011613, OMIM 605909.

Allele frequency attached by ClinVar (database versions not stated): gnomAD 0.00005; TOPMed 0.00006; gnomAD exomes 0.00007; ESP Exome Variant Server 0.00008; ExAC 0.00013.
gnomAD v4.1: 91 of 1,605,376 alleles (0.0057%); highest among the groups gnomAD compares: Middle Eastern, 0.066%; no homozygotes.

Submissions (4):

Labcorp Genetics (formerly Invitae), Labcorp
Classification: Uncertain significance for Autosomal recessive early-onset Parkinson disease 6. Last evaluated: 2025-06-27. Review status: criteria provided, single submitter. Criteria: Invitae Variant Classification Sherloc (09022015). Collection method: clinical testing. Allele origin: germline.
Comment: This sequence change replaces threonine, which is neutral and polar, with isoleucine, which is neutral and non-polar, at codon 257 of the PINK1 protein (p.Thr257Ile). This variant is present in population databases (rs370906995, gnomAD 0.01%). This missense change has been observed in individual(s) with Parkinson disease (PMID: 18330912, 33601107, 37750340). ClinVar contains an entry for this variant (Variation ID: 374599). Invitae Evidence Modeling of protein sequence and biophysical properties (such as structural, functional, and spatial information, amino acid conservation, physicochemical variation, residue mobility, and thermodynamic stability) indicates that this missense variant is not expected to disrupt PINK1 protein function with a negative predictive value of 95%. In summary, the available evidence is currently insufficient to determine the role of this variant in disease. Therefore, it has been classified as a Variant of Uncertain Significance.

Illumina Laboratory Services, Illumina
Classification: Uncertain significance for Autosomal recessive early-onset Parkinson disease 6. Last evaluated: 2017-04-27. Review status: criteria provided, single submitter. Criteria: ICSL Variant Classification Criteria 13 December 2019. Collection method: clinical testing. Allele origin: germline.
Comment: This variant was observed as part of a predisposition screen in an ostensibly healthy population. A literature search was performed for the gene, cDNA change, and amino acid change (where applicable). Publications were found based on this search. However, the evidence from the literature, in combination with allele frequency data from public databases where available, was not sufficient to rule this variant in or out of causing disease. Therefore, this variant is classified as a variant of unknown significance.

CeGaT Center for Human Genetics Tuebingen
Classification: Uncertain significance. Last evaluated: 2016-07-01. Review status: criteria provided, single submitter. Criteria: CeGaT Center For Human Genetics Tuebingen Variant Classification Criteria Version 2. Collection method: clinical testing. Allele origin: germline. Affected: yes. Observed: 1 variant allele.

Breakthrough Genomics
Classification: Uncertain significance. Review status: criteria provided, single submitter. Criteria: ACMG Guidelines, 2015. Collection method: not provided. Allele origin: germline. Inheritance: Autosomal recessive inheritance. Affected: yes.

Literature cited by the submitters: PubMed 18330912 (cited by Labcorp Genetics (formerly Invitae), Labcorp and Illumina Laboratory Services, Illumina); PubMed 33601107 (cited by Labcorp Genetics (formerly Invitae), Labcorp); PubMed 37750340 (cited by Labcorp Genetics (formerly Invitae), Labcorp).